The following is an entry in ClinVar:

NM_022841.7(RFX7):c.3375T>A (p.Ser1125=)

Gene: RFX7 (regulatory factor X7; minus strand). Cytogenetic location: 15q21.3.
Variant type: single nucleotide variant.
Coding change: c.3375T>A on transcript NM_022841.7 (MANE Select); coding-DNA position 3375, T replaced by A.
Protein change: p.Ser1125=; no amino-acid change (serine 1125 retained).
Molecular consequence: synonymous variant.
Genome position (GRCh38, 1-based): chr15:56,094,353, A>T on the plus strand (T>A on the coding strand, the complement: RFX7 is on the minus strand). VCF-style: chr15-56094353-A-T. GRCh37 (hg19) VCF-style: chr15-56386551-A-T.
Other names: c.3084T>A, p.Ser1028= (NM_001368073.2, NM_001368074.1, NM_001370554.1); c.3375T>A, p.Ser1125= (NM_001370561.1).
Identifiers: ClinVar variation 5038853 (VCV005038853.1).

ClinVar aggregate classification (germline): Likely benign (1 of 4 stars; one submission).

gnomAD v4.1: 120 of 1,613,994 alleles (0.0074%); highest among the groups gnomAD compares: South Asian, 0.12%; no homozygotes.

Submission:

CeGaT Center for Human Genetics Tuebingen
Classification: Likely benign. Last evaluated: 2026-08-01. Review status: criteria provided, single submitter. Criteria: CeGaT Center For Human Genetics Tuebingen Variant Classification Criteria Version 2. Collection method: clinical testing. Allele origin: germline. Affected: yes. Observed: 1 variant allele.
Comment: RFX7: BP4, BP7